The following is an entry in ClinVar:

NM_020708.5(SLC12A5):c.2812C>T (p.Arg938Ter)

Gene: SLC12A5 (solute carrier family 12 member 5; plus strand). Cytogenetic location: 20q13.12.
Variant type: single nucleotide variant.
Coding change: c.2812C>T on transcript NM_020708.5 (MANE Select); coding-DNA position 2812, C replaced by T.
Protein change: p.Arg938Ter; replaces arginine 938 with a stop codon.
Molecular consequence: nonsense.
Genome position (GRCh38, 1-based): chr20:46,056,174, C>T. VCF-style: chr20-46056174-C-T. GRCh37 (hg19) VCF-style: chr20-44684813-C-T.
Other names: c.2881C>T, p.Arg961Ter (NM_001134771.2); short protein forms R938*, R961*.
Identifiers: ClinVar variation 2433374 (VCV002433374.5), dbSNP rs2515653495, ClinGen allele CA409207338.

ClinVar aggregate classification (germline): Pathogenic/Likely pathogenic. Review status: criteria provided, multiple submitters, no conflicts (2 of 4 stars). 2 submissions from 2 submitters: Pathogenic (1); Likely pathogenic (1). Last evaluated 2025-01-27.

Conditions:
Developmental and epileptic encephalopathy, 34 (DEE34). Also called: Early infantile epileptic encephalopathy 34; SLC12A5-Related Epilepsy of Infancy with Migrating Focal Seizures. Identifiers: Orphanet 293181, MedGen C4225257, MONDO:0014718, OMIM 616645.

Submissions (2):

Labcorp Genetics (formerly Invitae), Labcorp
Classification: Pathogenic for Developmental and epileptic encephalopathy, 34. Last evaluated: 2025-01-27. Review status: criteria provided, single submitter. Criteria: Invitae Variant Classification Sherloc (09022015). Collection method: clinical testing. Allele origin: germline.
Comment: This sequence change creates a premature translational stop signal (p.Arg938*) in the SLC12A5 gene. It is expected to result in an absent or disrupted protein product. Loss-of-function variants in SLC12A5 are known to be pathogenic (PMID: 26333769, 27436767). This variant is not present in population databases (gnomAD no frequency). This variant has not been reported in the literature in individuals affected with SLC12A5-related conditions. ClinVar contains an entry for this variant (Variation ID: 2433374). For these reasons, this variant has been classified as Pathogenic.

Revvity Omics, Revvity
Classification: Likely pathogenic for Developmental and epileptic encephalopathy, 34. Last evaluated: 2021-11-15. Review status: criteria provided, single submitter. Criteria: ACMG Guidelines, 2015. Collection method: clinical testing. Allele origin: germline.

Literature cited by the submitters: PubMed 26333769 (cited by Labcorp Genetics (formerly Invitae), Labcorp); PubMed 27436767 (cited by Labcorp Genetics (formerly Invitae), Labcorp).